The following is an entry in ClinVar:

ClinVar aggregate classification (germline): Pathogenic (1 of 4 stars; one submission).

Submission:

Labcorp Genetics (formerly Invitae), Labcorp
Classification: Pathogenic. Last evaluated: 2025-01-20. Review status: criteria provided, single submitter. Criteria: Invitae Variant Classification Sherloc (09022015). Collection method: clinical testing. Allele origin: germline.
Comment: This sequence change creates a premature translational stop signal (p.Val1526Metfs*3) in the ARID1A gene. It is expected to result in an absent or disrupted protein product. Loss-of-function variants in ARID1A are known to be pathogenic (PMID: 22426308, 23929685). This variant is not present in population databases (gnomAD no frequency). This variant has not been reported in the literature in individuals affected with ARID1A-related conditions. For these reasons, this variant has been classified as Pathogenic.

Literature cited by the submitters: PubMed 22426308; PubMed 23929685.

NM_006015.6(ARID1A):c.4571_4575dup (p.Val1526fs)

Gene: ARID1A (AT-rich interaction domain 1A; plus strand). Cytogenetic location: 1p36.11.
Variant type: Duplication.
Coding change: c.4571_4575dup on transcript NM_006015.6 (MANE Select); coding-DNA positions 4571 to 4575, 5 bases duplicated (ATGGC; older notation c.4571_4575dupATGGC).
Protein change: p.Val1526fs; shifts the reading frame from valine 1526.
Molecular consequence: frameshift variant. On other transcripts: intron variant (1).
Genome position (GRCh38, 1-based): chr1:26,774,798-26,774,802, ATGGC duplicated; duplicating any 5 consecutive bases within chr1:26,774,797-26,774,802 gives the same sequence; the c. name uses the placement nearest the transcript's 3' end. VCF-style (leftmost placement, unchanged base first): chr1-26774796-T-TCATGG. GRCh37 (hg19) VCF-style: chr1-27101287-T-TCATGG.
Other names: c.4102-182_4102-178dup (NM_139135.4); short protein forms V1526fs.
Identifiers: ClinVar variation 3721606 (VCV003721606.2).
Genomic context (GRCh38, chr1:26,774,796, plus strand): 5'-CATGACCTATAATTATGCCAACAGGCAGAGCACGGGCTCTGCCCCCCAGGGCCCCGCCTA[T>TCATGG]CATGGCGTGAACCGAACAGATGAAATGCTGCACACAGATCAGAGGGCCAACCACGAAGGC-3'